The following is an entry in ClinVar:

NM_000173.7(GP1BA):c.657C>T (p.His219=)

Gene: GP1BA (glycoprotein Ib platelet subunit alpha; plus strand). Cytogenetic location: 17p13.2.
Variant type: single nucleotide variant.
Coding change: c.657C>T on transcript NM_000173.7 (MANE Select); coding-DNA position 657, C replaced by T.
Protein change: p.His219=; no amino-acid change (histidine 219 retained).
Molecular consequence: synonymous variant.
Genome position (GRCh38, 1-based): chr17:4,933,261, C>T. VCF-style: chr17-4933261-C-T. GRCh37 (hg19) VCF-style: chr17-4836556-C-T.
Identifiers: ClinVar variation 3896101 (VCV003896101.4).
Genomic context (GRCh38, chr17:4,933,261, plus strand): 5'-GCTGTATACAATACCAAAGGGCTTTTTTGGGTCCCACCTCCTGCCTTTTGCTTTTCTCCA[C>T]GGGAACCCCTGGTTATGCAACTGTGAGATCCTCTATTTTCGTCGCTGGCTGCAGGACAAT-3'
Protein context (NP_000164.5, residues 209-229): GSHLLPFAFL[His219=]GNPWLCNCEI

ClinVar aggregate classification (germline): Likely benign. Review status: criteria provided, multiple submitters, no conflicts (2 of 4 stars). 3 submissions from 3 submitters: Likely benign (3). Last evaluated 2026-04-01.

gnomAD v4.1: 156 of 1,613,992 alleles (0.0097%); highest among the groups gnomAD compares: Non-Finnish European, 0.012%; no homozygotes.

Submissions (3):

CeGaT Center for Human Genetics Tuebingen
Classification: Likely benign. Last evaluated: 2026-04-01. Review status: criteria provided, single submitter. Criteria: CeGaT Center For Human Genetics Tuebingen Variant Classification Criteria Version 2. Collection method: clinical testing. Allele origin: germline. Affected: yes. Observed: 1 variant allele.
Comment: GP1BA: BP4, BP7

Women's Health and Genetics/Laboratory Corporation of America, LabCorp
Classification: Likely benign. Last evaluated: 2025-03-19. Review status: criteria provided, single submitter. Criteria: LabCorp Variant Classification Summary - May 2015. Collection method: clinical testing. Allele origin: germline.
Comment: Variant summary: GP1BA c.657C>T alters a non-conserved nucleotide resulting in a synonymous change. Consensus agreement among computation tools predict no significant impact on normal splicing. However, these predictions have yet to be confirmed by functional studies. The variant allele was found at a frequency of 8e-05 in 249262 control chromosomes. This frequency is not significantly higher than estimated for a pathogenic variant in GP1BA causing Bernard-Soulier Syndrome, Type A2, Autosomal Dominant, allowing no conclusion about variant significance. To our knowledge, no occurrence of c.657C>T in individuals affected with Bernard-Soulier Syndrome, Type A2, Autosomal Dominant and no experimental evidence demonstrating its impact on protein function have been reported. No submitters have cited clinical-significance assessments for this variant to ClinVar. Based on the evidence outlined above, the variant was classified as likely benign.

Blueprint Genetics
Classification: Likely benign. Last evaluated: 2024-05-30. Review status: criteria provided, single submitter. Criteria: ACMG Guidelines, 2015. Collection method: clinical testing. Allele origin: germline.